The following is an entry in ClinVar:

NM_003803.4(MYOM1):c.1768A>G (p.Met590Val)

Gene: MYOM1 (myomesin 1; minus strand). Cytogenetic location: 18p11.31.
Variant type: single nucleotide variant.
Coding change: c.1768A>G on transcript NM_003803.4 (MANE Select); coding-DNA position 1768, A replaced by G.
Protein change: p.Met590Val; replaces methionine 590 with valine.
Molecular consequence: missense variant.
Genome position (GRCh38, 1-based): chr18:3,151,769, T>C on the plus strand (A>G on the coding strand, the complement: MYOM1 is on the minus strand). VCF-style: chr18-3151769-T-C. GRCh37 (hg19) VCF-style: chr18-3151767-T-C.
Other names: c.1768A>G, p.Met590Val (NM_019856.2); short protein forms M590V.
Identifiers: ClinVar variation 2630330 (VCV002630330.1), dbSNP rs965676713, ClinGen allele CA295530773.

ClinVar aggregate classification (germline): Uncertain significance (1 of 4 stars; one submission).

Conditions:
MYOM1-related disorder.

Allele frequency attached by ClinVar (database versions not stated): gnomAD 0.00001.
gnomAD v4.1: 1 of 1,613,776 alleles (0.000062%); highest among the groups gnomAD compares: African/African-American, 0.0013%; no homozygotes.

Submission:

PreventionGenetics, part of Exact Sciences
Classification: Uncertain significance for MYOM1-related condition. Last evaluated: 2023-03-10. Review status: criteria provided, single submitter. Criteria: ACMG Guidelines, 2015. Collection method: clinical testing. Allele origin: germline.
Comment: The MYOM1 c.1768A>G variant is predicted to result in the amino acid substitution p.Met590Val. To our knowledge, this variant has not been reported in the literature or in a large population database, indicating this variant is rare. At this time, the clinical significance of this variant is uncertain due to the absence of conclusive functional and genetic evidence.